The following is an entry in ClinVar:

ClinVar aggregate classification (germline): Uncertain significance (1 of 4 stars; one submission).

Submission:

Labcorp Genetics (formerly Invitae), Labcorp
Classification: Uncertain significance. Last evaluated: 2022-07-25. Review status: criteria provided, single submitter. Criteria: Invitae Variant Classification Sherloc (09022015). Collection method: clinical testing. Allele origin: germline.
Comment: This variant disrupts the C-terminus of the MICU1 protein. Other variant(s) that disrupt this region (p.Asn432Ilefs*8) have been observed in individuals with MICU1-related conditions (PMID: 32293312). This suggests that this may be a clinically significant region of the protein. This variant is a gross deletion of the genomic region encompassing exon(s) 12-13 of the MICU1 gene, which includes the termination codon. This deletion extends beyond the assayed region for this gene and therefore may encompass additional genes. While this deletion is not anticipated to lead to nonsense mediated decay, it is expected to alter mRNA translation or result in a truncated protein product. This variant has not been reported in the literature in individuals affected with MICU1-related conditions. In summary, the available evidence is currently insufficient to determine the role of this variant in disease. Therefore, it has been classified as a Variant of Uncertain Significance.

Literature cited by the submitters: PubMed 32293312.

NC_000010.10:g.(?_74127953)_(74135650_?)del

Gene: MICU1 (mitochondrial calcium uptake 1; minus strand). Cytogenetic location: 10q22.1.
Variant type: Deletion.
Identifiers: ClinVar variation 1411470 (VCV001411470.5).